The following is an entry in ClinVar:

NM_000455.5(STK11):c.537G>A (p.Pro179=)

Gene: STK11 (serine/threonine kinase 11; plus strand). Cytogenetic location: 19p13.3.
Variant type: single nucleotide variant.
Coding change: c.537G>A on transcript NM_000455.5 (MANE Select); coding-DNA position 537, G replaced by A.
Protein change: p.Pro179=; no amino-acid change (proline 179 retained).
Molecular consequence: synonymous variant.
Genome position (GRCh38, 1-based): chr19:1,220,445, G>A. VCF-style: chr19-1220445-G-A. GRCh37 (hg19) VCF-style: chr19-1220444-G-A.
Identifiers: ClinVar variation 187230 (VCV000187230.29), dbSNP rs528535500, ClinGen allele CA023068.

ClinVar aggregate classification (germline): Benign/Likely benign. Review status: criteria provided, multiple submitters, no conflicts (2 of 4 stars). 11 submissions from 11 submitters: Benign (2); Likely benign (7). 2 of the submissions do not count toward it. Last evaluated 2026-01-11.

Conditions:
Hereditary cancer-predisposing syndrome. Also called: Hereditary Cancer Syndrome; Neoplastic Syndromes, Hereditary; Tumor predisposition; Hereditary neoplastic syndrome. Identifiers: Orphanet 140162, MedGen C0027672, MeSH D009386, MONDO:0015356.
Peutz-Jeghers syndrome (PJS). Also called: POLYPOSIS, HAMARTOMATOUS INTESTINAL; POLYPS-AND-SPOTS SYNDROME; Peutz-Jeghers polyposis; Periorificial lentiginosis syndrome. Identifiers: Orphanet 2869, MedGen C0031269, MeSH D010580, MONDO:0008280, OMIM 175200.

Allele frequency attached by ClinVar (database versions not stated): TOPMed 0.00002.
gnomAD v4.1: 19 of 1,606,732 alleles (0.0012%); highest among the groups gnomAD compares: Middle Eastern, 0.016%; no homozygotes.

Submissions (11):

Labcorp Genetics (formerly Invitae), Labcorp
Classification: Likely benign for Peutz-Jeghers syndrome. Last evaluated: 2026-01-11. Review status: criteria provided, single submitter. Criteria: Invitae Variant Classification Sherloc (09022015). Collection method: clinical testing. Allele origin: germline.

All of Us Research Program, National Institutes of Health
Classification: Likely benign for Peutz-Jeghers syndrome. Last evaluated: 2024-07-29. Review status: criteria provided, single submitter. Criteria: ACMG Guidelines, 2015. Collection method: clinical testing. Allele origin: germline. Inheritance: Autosomal dominant inheritance. Observed: 2 variant alleles, 2 heterozygotes.
Comment: This study involves interpretation of variants in research participants for the purpose of population health screening. Participant phenotype was not available at the time of variant classification. Additional details can be found in publication PMID: 35346344, PMCID: PMC8962531

Myriad Genetics, Inc.
Classification: Benign for Peutz-Jeghers syndrome. Last evaluated: 2023-04-12. Review status: criteria provided, single submitter. Criteria: Myriad Autosomal Dominant, Autosomal Recessive and X-Linked Classification Criteria (2023). Collection method: clinical testing. Allele origin: unknown.
Comment: This variant is considered benign. This variant is a silent/synonymous amino acid change and it is not expected to impact splicing.

Quest Diagnostics Nichols Institute San Juan Capistrano
Classification: Likely benign. Last evaluated: 2023-01-16. Review status: criteria provided, single submitter. Criteria: Quest Diagnostics criteria. Collection method: clinical testing. Allele origin: unknown.

Sema4
Classification: Likely benign for Hereditary cancer-predisposing syndrome. Last evaluated: 2022-03-10. Review status: criteria provided, single submitter. Criteria: Sema4 Curation Guidelines. Collection method: curation. Allele origin: germline.

Genome-Nilou Lab
Classification: Likely benign for Peutz-Jeghers syndrome. Last evaluated: 2021-07-15. Review status: criteria provided, single submitter. Criteria: ACMG Guidelines, 2015. Collection method: clinical testing. Allele origin: germline. Affected: no.

Color Diagnostics, LLC DBA Color Health
Classification: Likely benign for Hereditary cancer-predisposing syndrome. Last evaluated: 2016-04-27. Review status: criteria provided, single submitter. Criteria: ACMG Guidelines, 2015. Collection method: clinical testing. Allele origin: germline.

GeneDx
Classification: Benign. Last evaluated: 2015-08-14. Review status: criteria provided, single submitter. Criteria: GeneDx Variant Classification (06012015). Collection method: clinical testing. Allele origin: germline. Affected: yes.
Comment: This variant is considered likely benign or benign based on one or more of the following criteria: it is a conservative change, it occurs at a poorly conserved position in the protein, it is predicted to be benign by multiple in silico algorithms, and/or has population frequency not consistent with disease.

Ambry Genetics
Classification: Likely benign for Hereditary cancer-predisposing syndrome. Last evaluated: 2014-12-02. Review status: criteria provided, single submitter. Criteria: Ambry Variant Classification Scheme 2023. Collection method: clinical testing. Allele origin: germline.

Counsyl
Classification: Likely benign for Peutz-Jeghers syndrome. Last evaluated: 2018-03-26. Review status: no assertion criteria provided. Collection method: clinical testing. Allele origin: unknown. Not counted in ClinVar's aggregate classification.

Department of Pathology and Laboratory Medicine, Sinai Health System
Classification: Likely benign for Peutz-Jeghers syndrome. Review status: no assertion criteria provided. Collection method: clinical testing. Allele origin: unknown. Affected: yes. Study: The Canadian Open Genetics Repository (COGR). Not counted in ClinVar's aggregate classification.
Comment: The STK11 p.Pro179= variant was not identified in the literature nor was it identified in the LOVD 3.0, database. The variant was identified in dbSNP (rs528535500) as â€šÃ„Ãºwith likely benign, other alleleâ€šÃ„Ã¹ and ClinVar (classified as likely benign by Invitae, Color, Ambry Genetics and 2 other submitters and benign by GeneDx). The variant was identified in control databases in 3 of 235,520 chromosomes at a frequency of 0.00001 (Genome Aggregation Database Feb 27, 2017). The variant was observed in the following populations: African in 1 of 13,916 chromosomes (freq: 0.000072), East Asian in 1 of 17,286 chromosomes (freq: 0.00006), Finnish in 1 of 20,240 chromosomes (freq: 0.00005), while the variant was not observed in the Latino, Ashkenazi Jewish, European, Other and South Asian populations. The p.Pro179= variant is not expected to have clinical significance because it does not result in a change of amino acid and is not located in a known consensus splice site. The variant occurs at a non-highly conserved nucleotide outside of the splicing consensus sequence and in silico or computational prediction software programs (SpliceSiteFinder, MaxEntScan, NNSPLICE, GeneSplicer) do not predict a difference in splicing. In summary, based on the above information the clinical significance of this variant cannot be determined with certainty at this time although we would lean towards a more benign role for this variant. This variant is classified as likely benign.